The following is an entry in ClinVar:

ClinVar aggregate classification (germline): Benign (1 of 4 stars; one submission).

Allele frequency attached by ClinVar (database versions not stated): 1000 Genomes Project 0.45327; 1000 Genomes Project 30x 0.45846; TOPMed 0.50867; gnomAD 0.51028 and 0.51653.

Submission:

GeneDx
Classification: Benign. Last evaluated: 2018-02-27. Review status: criteria provided, single submitter. Criteria: GeneDx Variant Classification (06012015). Collection method: clinical testing. Allele origin: germline. Affected: yes.
Comment: This variant is considered likely benign or benign based on one or more of the following criteria: it is a conservative change, it occurs at a poorly conserved position in the protein, it is predicted to be benign by multiple in silico algorithms, and/or has population frequency not consistent with disease.

NC_000005.10:g.63962738=

Gene: HTR1A (5-hydroxytryptamine receptor 1A; minus strand). Cytogenetic location: 5q12.3.
Variant type: single nucleotide variant.
Genome position: GRCh38 VCF-style: chr5-63962738-C-C. GRCh37 (hg19) VCF-style: chr5-63258565-C-C.
Identifiers: ClinVar variation 226009 (VCV000226009.1), dbSNP rs6295.
Genomic context (GRCh38, chr5:63,962,738, plus strand): 5'-CAGTCCTGGGTCAGTCTCCCAATTATTGCTAATTGATGGAAGAAGACCGAGTGTGTCTTC[C=]TTTTTAAAAAGCTACCTCCGTTCTCGCGCCATTGCACTCCAGCCTGGGCGACAGAGCGAG-3'